The following is an entry in ClinVar:

ClinVar aggregate classification (germline): Pathogenic (1 of 4 stars; one submission).

Conditions:
Distal myopathy with posterior leg and anterior hand involvement. Also called: WILLIAMS DISTAL MYOPATHY. Identifiers: Orphanet 63273, MedGen C3279722, MONDO:0013550, OMIM 614065.
Hypertrophic cardiomyopathy 26. Also called: Cardiomyopathy, familial hypertrophic, 26. Identifiers: Orphanet 75249, MedGen C4310749, MONDO:0014883, OMIM 617047.
Myofibrillar myopathy 5. Also called: FILAMINOPATHY, AUTOSOMAL DOMINANT; Filaminopathy (type). Identifiers: Orphanet 171445, MedGen C1836050, MONDO:0012289, OMIM 609524.

Submission:

Labcorp Genetics (formerly Invitae), Labcorp
Classification: Pathogenic for Distal myopathy with posterior leg and anterior hand involvement; Myofibrillar myopathy 5; Hypertrophic cardiomyopathy 26. Last evaluated: 2024-01-25. Review status: criteria provided, single submitter. Criteria: Invitae Variant Classification Sherloc (09022015). Collection method: clinical testing. Allele origin: germline.
Comment: This sequence change creates a premature translational stop signal (p.Trp2164*) in the FLNC gene. It is expected to result in an absent or disrupted protein product. Loss-of-function variants in FLNC are known to be pathogenic (PMID: 27908349). This variant is not present in population databases (gnomAD no frequency). This variant has not been reported in the literature in individuals affected with FLNC-related conditions. ClinVar contains an entry for this variant (Variation ID: 1457130). For these reasons, this variant has been classified as Pathogenic.

Literature cited by the submitters: PubMed 27908349.

NM_001458.5(FLNC):c.6491G>A (p.Trp2164Ter)

Genes: FLNC-AS1 (FLNC antisense RNA 1; minus strand), FLNC (filamin C; plus strand). Cytogenetic location: 7q32.1.
Variant type: single nucleotide variant.
Coding change: c.6491G>A on transcript NM_001458.5 (MANE Select); coding-DNA position 6491, G replaced by A.
Protein change: p.Trp2164Ter; replaces tryptophan 2164 with a stop codon.
Molecular consequence: nonsense.
Genome position (GRCh38, 1-based): chr7:128,853,980, G>A. VCF-style: chr7-128853980-G-A. GRCh37 (hg19) VCF-style: chr7-128494034-G-A.
Other names: c.6392G>A, p.Trp2131Ter (NM_001127487.2); short protein forms W2131*, W2164*.
Identifiers: ClinVar variation 1457130 (VCV001457130.6), dbSNP rs2128939246, ClinGen allele CA369212671.
Genomic context (GRCh38, chr7:128,853,980, plus strand): 5'-CTGCTTCCTCACCCCTCGCTTCCCTCCCTCACCCTGGCTCCCTTGACCACACAGGAAACT[G>A]GTTCCAGATGGTGTCTGCCCAGGAGCGCCTGACACGCACCTTCACACGCAGCAGCCACAC-3'